The following is an entry in ClinVar:

NM_002474.3(MYH11):c.267C>A (p.Asp89Glu)

Gene: MYH11 (myosin heavy chain 11; minus strand). Cytogenetic location: 16p13.11.
Variant type: single nucleotide variant.
Coding change: c.267C>A on transcript NM_002474.3 (MANE Select); coding-DNA position 267, C replaced by A.
Protein change: p.Asp89Glu; replaces aspartic acid 89 with glutamic acid.
Molecular consequence: missense variant.
Genome position (GRCh38, 1-based): chr16:15,837,986, G>T on the plus strand (C>A on the coding strand, the complement: MYH11 is on the minus strand). VCF-style: chr16-15837986-G-T. GRCh37 (hg19) VCF-style: chr16-15931843-G-T.
Other names: p.(Asp89Glu); c.267C>A, p.Asp89Glu (NM_001040113.2, NM_001040114.2, NM_022844.3); short protein forms D89E.
Identifiers: ClinVar variation 1332463 (VCV001332463.13), dbSNP rs775840903, ClinGen allele CA7923101.
Genomic context (GRCh38, chr16:15,837,986, plus strand): 5'-GTACCGCTCCCTCAGGTTGTGTAGCACGGAGGCTTCGTTGAGGCACGTCAGCTCCGCCAT[G>T]TCCTCCACCTTGGAGAACTTGGGTGGGTTCATCTTCTGGATGTCATCTTTCCCAACCGTG-3'
Protein context (NP_002465.1, residues 79-99): MNPPKFSKVE[Asp89Glu]MAELTCLNEA

ClinVar aggregate classification (germline): Uncertain significance. Review status: criteria provided, multiple submitters, no conflicts (2 of 4 stars). 4 submissions from 4 submitters: Uncertain significance (4). Last evaluated 2025-12-15.

Conditions:
Familial thoracic aortic aneurysm and aortic dissection (TAAD). Also called: Thoracic aortic aneurysms and dissections. Identifiers: Orphanet 91387, MedGen C4707243, MONDO:0019625.
Aortic aneurysm, familial thoracic 4 (AAT4). Also called: AORTIC ANEURYSM/AORTIC DISSECTION AND PATENT DUCTUS ARTERIOSUS. Identifiers: MedGen C1851504, MONDO:0007568, OMIM 132900.

Allele frequency attached by ClinVar (database versions not stated): gnomAD exomes 0.00001 and below 0.00001; TOPMed below 0.00001; ExAC 0.00001.
gnomAD v4.1: 11 of 1,614,162 alleles (0.00068%); highest among the groups gnomAD compares: Non-Finnish European, 0.00085%; no homozygotes.

Submissions (4):

Ambry Genetics
Classification: Uncertain significance for Familial thoracic aortic aneurysm and aortic dissection. Last evaluated: 2025-12-15. Review status: criteria provided, single submitter. Criteria: Ambry Variant Classification Scheme 2023. Collection method: clinical testing. Allele origin: germline.
Comment: The p.D89E variant (also known as c.267C>A), located in coding exon 1 of the MYH11 gene, results from a C to A substitution at nucleotide position 267. The aspartic acid at codon 89 is replaced by glutamic acid, an amino acid with highly similar properties. This amino acid position is highly conserved in available vertebrate species. In addition, this alteration is predicted to be deleterious by in silico analysis. Since supporting evidence is limited at this time, the clinical significance of this alteration remains unclear.

All of Us Research Program, National Institutes of Health
Classification: Uncertain significance for Familial thoracic aortic aneurysm and aortic dissection. Last evaluated: 2024-07-20. Review status: criteria provided, single submitter. Criteria: ACMG Guidelines, 2015. Collection method: clinical testing. Allele origin: germline. Inheritance: Autosomal dominant inheritance. Observed: 7 variant alleles, 7 heterozygotes.
Comment: This missense variant replaces aspartic acid with glutamic acid at codon 89 of the MYH11 protein. Computational prediction suggests that this variant may have deleterious impact on protein structure and function (internally defined REVEL score threshold >= 0.7, PMID: 27666373). To our knowledge, functional studies have not been reported for this variant. This variant has not been reported in individuals affected with cardiovascular disorders in the literature. This variant has been identified in 1/251486 chromosomes in the general population by the Genome Aggregation Database (gnomAD). The available evidence is insufficient to determine the role of this variant in disease conclusively. Therefore, this variant is classified as a Variant of Uncertain Significance.

This study involves interpretation of variants in research participants for the purpose of population health screening. Participant phenotype was not available at the time of variant classification. Additional details can be found in publication PMID: 35346344, PMCID: PMC8962531

Labcorp Genetics (formerly Invitae), Labcorp
Classification: Uncertain significance for Aortic aneurysm, familial thoracic 4. Last evaluated: 2024-07-16. Review status: criteria provided, single submitter. Criteria: Invitae Variant Classification Sherloc (09022015). Collection method: clinical testing. Allele origin: germline.
Comment: This sequence change replaces aspartic acid, which is acidic and polar, with glutamic acid, which is acidic and polar, at codon 89 of the MYH11 protein (p.Asp89Glu). This variant is present in population databases (rs775840903, gnomAD 0.0009%). This variant has not been reported in the literature in individuals affected with MYH11-related conditions. ClinVar contains an entry for this variant (Variation ID: 1332463). Advanced modeling of protein sequence and biophysical properties (such as structural, functional, and spatial information, amino acid conservation, physicochemical variation, residue mobility, and thermodynamic stability) has been performed at Invitae for this missense variant, however the output from this modeling did not meet the statistical confidence thresholds required to predict the impact of this variant on MYH11 protein function. In summary, the available evidence is currently insufficient to determine the role of this variant in disease. Therefore, it has been classified as a Variant of Uncertain Significance.

Color Diagnostics, LLC DBA Color Health
Classification: Uncertain significance for Familial thoracic aortic aneurysm and aortic dissection. Last evaluated: 2024-03-07. Review status: criteria provided, single submitter. Criteria: ACMG Guidelines, 2015. Collection method: clinical testing. Allele origin: germline.
Comment: This missense variant replaces aspartic acid with glutamic acid at codon 89 of the MYH11 protein. Computational prediction suggests that this variant may have deleterious impact on protein structure and function (internally defined REVEL score threshold >= 0.7, PMID: 27666373). To our knowledge, functional studies have not been reported for this variant. This variant has not been reported in individuals affected with cardiovascular disorders in the literature. This variant has been identified in 1/251486 chromosomes in the general population by the Genome Aggregation Database (gnomAD). The available evidence is insufficient to determine the role of this variant in disease conclusively. Therefore, this variant is classified as a Variant of Uncertain Significance.